The following is an entry in ClinVar:

NC_000011.10:g.119168321G>A

Gene: NLRX1 (NLR family member X1; plus strand). Cytogenetic location: 11q23.3.
Variant type: single nucleotide variant.
Genome position: GRCh38 VCF-style: chr11-119168321-G-A. GRCh37 (hg19) VCF-style: chr11-119039030-G-A.
Identifiers: ClinVar variation 102945 (VCV000102945.2), dbSNP rs199476027, ClinGen allele CA229908.
Genomic context (GRCh38, chr11:119,168,321, plus strand): 5'-GGCTAGGCCATGAATGGGTGTCAGACCCGAAGAGCAGGTTGGGGTGCAAGTTGTCCTTCA[G>A]CCCCCATTCTTCCTTCTTTCTTAACCAAGGTTACCAGCAGCCACACACATAGGTCTGGGC-3'

ClinVar aggregate classification (germline): not provided (0 of 4 stars; one submission).

Allele frequency attached by ClinVar (database versions not stated): gnomAD 0.00013; TOPMed 0.00022; 1000 Genomes Project 30x 0.00031; 1000 Genomes Project 0.00040.

Submission:

Human Evolutionary Genetics, Institut Pasteur
No classification provided. Review status: no classification provided. Collection method: not provided. Allele origin: germline.
ClinVar note: Converted during submission from untested to not provided.